The following is an entry in ClinVar:

ClinVar aggregate classification (germline): Pathogenic (1 of 4 stars; one submission).

Conditions:
Neurodevelopmental disorder with dysmorphic facies and distal skeletal anomalies. Identifiers: MedGen C5231448, MONDO:0032855, OMIM 618659.

Submission:

Molecular Genetics Laboratory, Motol Hospital
Classification: Pathogenic for Neurodevelopmental disorder with dysmorphic facies and distal skeletal anomalies. Last evaluated: 2025-04-15. Review status: criteria provided, single submitter. Criteria: ACMG Guidelines, 2015. Collection method: clinical testing. Allele origin: de novo. Affected: yes. Observed: 1 variant allele.
Comment: Rare variant not present in ClinVar, not present in gnomAD (4.1.0), not in non-Finnish European population (PM2). Located in a mutational hot spot in the exon 11 of the ZMIZ1 gene (PM1). Rare de novo variants in the ZMIZ1 gene (MIM:607159) are a cause of "neurodevelopmental disorder with dysmorphic facies and distal skeletal abnormalities" (MIM:618659; PMID:30639322;PMID:38686122). Therefore, this variant is classified as pathogenic.

Literature cited by the submitters: PubMed 30639322; PubMed 38686122.

NM_020338.4(ZMIZ1):c.881C>T (p.Thr294Ile)

Gene: ZMIZ1 (zinc finger MIZ-type containing 1; plus strand). Cytogenetic location: 10q22.3.
Variant type: single nucleotide variant.
Coding change: c.881C>T on transcript NM_020338.4 (MANE Select); coding-DNA position 881, C replaced by T.
Protein change: p.Thr294Ile; replaces threonine 294 with isoleucine.
Molecular consequence: missense variant.
Genome position (GRCh38, 1-based): chr10:79,292,280, C>T. VCF-style: chr10-79292280-C-T. GRCh37 (hg19) VCF-style: chr10-81052037-C-T.
Other names: short protein forms T294I.
Identifiers: ClinVar variation 3780968 (VCV003780968.1).